The following is an entry in ClinVar:

ClinVar aggregate classification (germline): Uncertain significance. Review status: criteria provided, multiple submitters, no conflicts (2 of 4 stars). 3 submissions from 3 submitters: Uncertain significance (3). Last evaluated 2025-11-05.

Conditions:
PLEC-related disorder. Also called: PLEC-related condition; PLEC-related disorders.
Inborn genetic diseases. Identifiers: MedGen C0950123, MeSH D030342.
Autosomal recessive limb-girdle muscular dystrophy type 2Q (LGMDR17). Also called: MUSCULAR DYSTROPHY, LIMB-GIRDLE, AUTOSOMAL RECESSIVE 17. Identifiers: Orphanet 254361, MedGen C3150989, MONDO:0013390, OMIM 613723.
Epidermolysis bullosa simplex, Ogna type (EBS5A). Also called: Pidermolysis bullosa simplex 5A, Ogna type; EPIDERMOLYSIS BULLOSA SIMPLEX 5A, OGNA TYPE. Identifiers: Orphanet 79401, MedGen C0432317, MONDO:0007555, OMIM 131950.
Epidermolysis bullosa simplex with nail dystrophy (EBS5D). Identifiers: MedGen C4225309, MONDO:0014661, OMIM 616487.
Epidermolysis bullosa simplex 5C, with pyloric atresia (EBS5C). Also called: PLEC-Related Epidermolysis Bullosa with Pyloric Atresia; Epidermolysis bullosa simplex with pyloric atresia; PLEC1-Related Epidermolysis Bullosa with Pyloric Atresia. Identifiers: Orphanet 158684, MedGen C2677349, MONDO:0012807, OMIM 612138.
Epidermolysis bullosa simplex 5B, with muscular dystrophy (EBS5B). Also called: EPIDERMOLYSIS BULLOSA SIMPLEX AND LIMB-GIRDLE MUSCULAR DYSTROPHY; Epidermolysis bullosa simplex with muscular dystrophy. Identifiers: Orphanet 257, MedGen C2931072, MONDO:0009181, OMIM 226670.

Allele frequency attached by ClinVar (database versions not stated): gnomAD 0.00004; ExAC 0.00005; TOPMed 0.00005.
gnomAD v4.1: 48 of 1,588,608 alleles (0.003%); highest among the groups gnomAD compares: Admixed American, 0.0084%; no homozygotes.

Submissions (3):

Ambry Genetics
Classification: Uncertain significance for Inborn genetic diseases. Last evaluated: 2025-11-05. Review status: criteria provided, single submitter. Criteria: Ambry Variant Classification Scheme 2023. Collection method: clinical testing. Allele origin: germline.

Labcorp Genetics (formerly Invitae), Labcorp
Classification: Uncertain significance for Autosomal recessive limb-girdle muscular dystrophy type 2Q; Epidermolysis bullosa simplex, Ogna type; Epidermolysis bullosa simplex with nail dystrophy; Epidermolysis bullosa simplex 5C, with pyloric atresia; Epidermolysis bullosa simplex 5B, with muscular dystrophy. Last evaluated: 2025-08-11. Review status: criteria provided, single submitter. Criteria: Invitae Variant Classification Sherloc (09022015). Collection method: clinical testing. Allele origin: germline.
Comment: This sequence change replaces arginine, which is basic and polar, with glutamine, which is neutral and polar, at codon 1712 of the PLEC protein (p.Arg1712Gln). This variant is present in population databases (rs782726656, gnomAD 0.007%). This variant has not been reported in the literature in individuals affected with PLEC-related conditions. ClinVar contains an entry for this variant (Variation ID: 851135). Invitae Evidence Modeling of protein sequence and biophysical properties (such as structural, functional, and spatial information, amino acid conservation, physicochemical variation, residue mobility, and thermodynamic stability) has been performed for this missense variant. However, the output from this modeling did not meet the statistical confidence thresholds required to predict the impact of this variant on PLEC protein function. In summary, the available evidence is currently insufficient to determine the role of this variant in disease. Therefore, it has been classified as a Variant of Uncertain Significance.

PreventionGenetics, part of Exact Sciences
Classification: Uncertain significance for PLEC-related condition. Last evaluated: 2025-07-15. Review status: criteria provided, single submitter. Criteria: ACMG Guidelines, 2015. Collection method: clinical testing. Allele origin: germline.
Comment: The PLEC c.5135G>A variant is predicted to result in the amino acid substitution p.Arg1712Gln. To our knowledge, this variant has not been reported in the literature. This variant is reported in 0.0090% of alleles in individuals of Latino descent in gnomAD. At this time, the clinical significance of this variant is uncertain due to the absence of conclusive functional and genetic evidence.

NM_201384.3(PLEC):c.5054G>A (p.Arg1685Gln)

Gene: PLEC (plectin; minus strand). Cytogenetic location: 8q24.3.
Variant type: single nucleotide variant.
Coding change: c.5054G>A on transcript NM_201384.3 (MANE Select); coding-DNA position 5054, G replaced by A.
Protein change: p.Arg1685Gln; replaces arginine 1685 with glutamine.
Molecular consequence: missense variant.
Genome position (GRCh38, 1-based): chr8:143,924,875, C>T on the plus strand (G>A on the coding strand, the complement: PLEC is on the minus strand). VCF-style: chr8-143924875-C-T. GRCh37 (hg19) VCF-style: chr8-144999043-C-T.
Other names: c.5135G>A, p.Arg1712Gln (NM_000445.5); c.5012G>A, p.Arg1671Gln (NM_201378.4); c.4988G>A, p.Arg1663Gln (NM_201379.3); c.5465G>A, p.Arg1822Gln (NM_201380.4); c.4958G>A, p.Arg1653Gln (NM_201381.3); c.5054G>A, p.Arg1685Gln (NM_201382.4); c.5066G>A, p.Arg1689Gln (NM_201383.3); c.5135G>A (NM_000445.3); short protein forms R1685Q, R1689Q, R1663Q, R1653Q, R1671Q, R1712Q, R1822Q.
Identifiers: ClinVar variation 851135 (VCV000851135.9), dbSNP rs782726656, ClinGen allele CA4926444.